The following is an entry in ClinVar:

NM_006269.2(RP1):c.6125T>C (p.Leu2042Ser)

Gene: RP1 (RP1 axonemal microtubule associated; plus strand). Cytogenetic location: 8q12.1.
Variant type: single nucleotide variant.
Coding change: c.6125T>C on transcript NM_006269.2 (MANE Select); coding-DNA position 6125, T replaced by C.
Protein change: p.Leu2042Ser; replaces leucine 2042 with serine.
Molecular consequence: missense variant. On other transcripts: intron variant (1).
Genome position (GRCh38, 1-based): chr8:54,630,007, T>C. VCF-style: chr8-54630007-T-C. GRCh37 (hg19) VCF-style: chr8-55542567-T-C.
Other names: c.787+7719T>C (NM_001375654.1); short protein forms L2042S.
Identifiers: ClinVar variation 1410822 (VCV001410822.6), dbSNP rs1806207230, ClinGen allele CA370990646.
Genomic context (GRCh38, chr8:54,630,007, plus strand): 5'-AGAAATTTCAACCAGATTTGAAGGAAAGGTTTTGTATGAATTTCTTGCACACATCATTGT[T>C]AGTTGTGGGTAATGTGGATTCAAATACACAAGACCTCAGCGGTCAGACAAATGAAATCTT-3'
Protein context (NP_006260.1, residues 2032-2052): FCMNFLHTSL[Leu2042Ser]VVGNVDSNTQ

ClinVar aggregate classification (germline): Uncertain significance (1 of 4 stars; one submission).

Allele frequency attached by ClinVar (database versions not stated): gnomAD exomes below 0.00001.
gnomAD v4.1: 1 of 1,614,030 alleles (0.000062%); highest among the groups gnomAD compares: South Asian, 0.0011%; no homozygotes.

Submission:

Labcorp Genetics (formerly Invitae), Labcorp
Classification: Uncertain significance. Last evaluated: 2026-01-05. Review status: criteria provided, single submitter. Criteria: Invitae Variant Classification Sherloc (09022015). Collection method: clinical testing. Allele origin: germline.
Comment: This sequence change replaces leucine, which is neutral and non-polar, with serine, which is neutral and polar, at codon 2042 of the RP1 protein (p.Leu2042Ser). This variant is not present in population databases (gnomAD no frequency). This variant has not been reported in the literature in individuals affected with RP1-related conditions. ClinVar contains an entry for this variant (Variation ID: 1410822). An algorithm developed to predict the effect of missense changes on protein structure and function (PolyPhen-2) suggests that this variant is likely to be tolerated. In summary, the available evidence is currently insufficient to determine the role of this variant in disease. Therefore, it has been classified as a Variant of Uncertain Significance.